The following is an entry in ClinVar:

NM_007194.4(CHEK2):c.1378C>G (p.Leu460Val)

Gene: CHEK2 (checkpoint kinase 2; minus strand). Cytogenetic location: 22q12.1.
Variant type: single nucleotide variant.
Coding change: c.1378C>G on transcript NM_007194.4 (MANE Select); coding-DNA position 1378, C replaced by G.
Protein change: p.Leu460Val; replaces leucine 460 with valine.
Molecular consequence: missense variant.
Genome position (GRCh38, 1-based): chr22:28,694,115, G>C on the plus strand (C>G on the coding strand, the complement: CHEK2 is on the minus strand). VCF-style: chr22-28694115-G-C. GRCh37 (hg19) VCF-style: chr22-29090103-G-C.
Other names: c.1507C>G, p.Leu503Val (NM_001005735.3); c.715C>G, p.Leu239Val (NM_001257387.3); c.1177C>G, p.Leu393Val (NM_001349956.3); c.1291C>G, p.Leu431Val (NM_145862.3); short protein forms L460V, L503V, L239V, L393V, L431V.
Identifiers: ClinVar variation 232039 (VCV000232039.16), dbSNP rs876659512, ClinGen allele CA10581033.
Genomic context (GRCh38, chr22:28,694,115, plus strand): 5'-CTTCTTCTGTCGTAAAACGTGCCTTTGGATCCACTACCAACAACTTCTTGACAAGGTCCA[G>C]AGCTAAAGCAACAATTGGGCAAATCACAGTGAAAAGGATAAATATATTATCAGTAAGAGT-3'
Protein context (NP_009125.1, residues 450-470): EVWAEVSEKA[Leu460Val]DLVKKLLVVD

ClinVar aggregate classification (germline): Uncertain significance. Review status: criteria provided, multiple submitters, no conflicts (2 of 4 stars). 3 submissions from 3 submitters: Uncertain significance (3). Last evaluated 2025-10-10.

Conditions:
Hereditary cancer-predisposing syndrome. Also called: Neoplastic Syndromes, Hereditary; Tumor predisposition; Hereditary Cancer Syndrome; Hereditary neoplastic syndrome. Identifiers: Orphanet 140162, MedGen C0027672, MeSH D009386, MONDO:0015356.
Familial cancer of breast. Also called: BREAST CANCER, FAMILIAL; hereditary breast carcinoma; Hereditary breast cancer. Identifiers: Orphanet 227535, MedGen C0346153, MONDO:0016419, OMIM 114480. Disease mechanism: loss of function.

Allele frequency attached by ClinVar (database versions not stated): gnomAD exomes below 0.00001.

Submissions (3):

Ambry Genetics
Classification: Uncertain significance for Hereditary cancer-predisposing syndrome. Last evaluated: 2025-10-10. Review status: criteria provided, single submitter. Criteria: Ambry Variant Classification Scheme 2023. Collection method: clinical testing. Allele origin: germline.
Comment: The p.L460V variant (also known as c.1378C>G), located in coding exon 12 of the CHEK2 gene, results from a C to G substitution at nucleotide position 1378. The leucine at codon 460 is replaced by valine, an amino acid with highly similar properties. This amino acid position is well conserved in available vertebrate species. In addition, this alteration is predicted to be tolerated by in silico analysis. Since supporting evidence is limited at this time, the clinical significance of this alteration remains unclear.

Labcorp Genetics (formerly Invitae), Labcorp
Classification: Uncertain significance for Familial cancer of breast. Last evaluated: 2024-11-18. Review status: criteria provided, single submitter. Criteria: Invitae Variant Classification Sherloc (09022015). Collection method: clinical testing. Allele origin: germline.
Comment: This sequence change replaces leucine, which is neutral and non-polar, with valine, which is neutral and non-polar, at codon 460 of the CHEK2 protein (p.Leu460Val). This variant is present in population databases (no rsID available, gnomAD 0.0009%). This variant has not been reported in the literature in individuals affected with CHEK2-related conditions. ClinVar contains an entry for this variant (Variation ID: 232039). An algorithm developed to predict the effect of missense changes on protein structure and function outputs the following: PolyPhen-2: "Benign". The valine amino acid residue is found in multiple mammalian species, which suggests that this missense change does not adversely affect protein function. In summary, the available evidence is currently insufficient to determine the role of this variant in disease. Therefore, it has been classified as a Variant of Uncertain Significance.

GeneDx
Classification: Uncertain significance. Last evaluated: 2023-03-30. Review status: criteria provided, single submitter. Criteria: GeneDx Variant Classification Process June 2021. Collection method: clinical testing. Allele origin: germline. Affected: yes.
Comment: Not observed at significant frequency in large population cohorts (gnomAD); In silico analysis supports that this missense variant does not alter protein structure/function; Observed in an individual with breast cancer (Ece Solmaz et al., 2021); This variant is associated with the following publications: (PMID: 33980423, 22419737, 19782031)